The following is an entry in ClinVar:

ClinVar aggregate classification (germline): Uncertain significance (1 of 4 stars; one submission).

Conditions:
Mowat-Wilson syndrome (MOWS). Also called: Classic Mowat-Wilson Syndrome. Identifiers: Orphanet 2152, MedGen C1856113, MONDO:0009341, OMIM 235730.

Submissions (2):

Labcorp Genetics (formerly Invitae), Labcorp
Classification: Uncertain significance for Mowat-Wilson syndrome. Last evaluated: 2023-11-24. Review status: criteria provided, single submitter. Criteria: Invitae Variant Classification Sherloc (09022015). Collection method: clinical testing. Allele origin: germline.
Comment: This sequence change falls in intron 8 of the ZEB2 gene. It does not directly change the encoded amino acid sequence of the ZEB2 protein. This variant is not present in population databases (gnomAD no frequency). This variant has not been reported in the literature in individuals affected with ZEB2-related conditions. Algorithms developed to predict the effect of sequence changes on RNA splicing suggest that this variant may disrupt the consensus splice site. In summary, the available evidence is currently insufficient to determine the role of this variant in disease. Therefore, it has been classified as a Variant of Uncertain Significance.

Dr. Peter K. Rogan Lab, Western University
No classification provided (evidence only). Condition: Lung cancer. Review status: no classification provided. Collection method: in vitro. Allele origin: not applicable. Functional consequence: retained intron. Not counted in ClinVar's aggregate classification.

NM_014795.4(ZEB2):c.2887-5C>A

Gene: ZEB2 (zinc finger E-box binding homeobox 2; minus strand). Cytogenetic location: 2q22.3.
Variant type: single nucleotide variant.
Coding change: c.2887-5C>A on transcript NM_014795.4 (MANE Select); 5 bases into the intron before coding-DNA position 2887, C replaced by A.
Molecular consequence: intron variant.
Genome position (GRCh38, 1-based): chr2:144,396,597, G>T on the plus strand (C>A on the coding strand, the complement: ZEB2 is on the minus strand). VCF-style: chr2-144396597-G-T. GRCh37 (hg19) VCF-style: chr2-145154164-G-T.
Other names: c.2815-5C>A (NM_001171653.2).
Identifiers: ClinVar variation 2698274 (VCV002698274.4), dbSNP rs755913393, ClinGen allele CA2697551034.
Genomic context (GRCh38, chr2:144,396,597, plus strand): 5'-TCTGTCATATCATCTAGGCCTGACATGTAGTCTTGTGCTCCATCAAGCAATTCTCCCTGC[G>T]ATAGAATCACACAGTTCAATACAGTGGCTTCTCTTTGTGCTCACACCAAACAACTTCACA-3'